The following is an entry in ClinVar:

NM_006231.4(POLE):c.1055A>C (p.Gln352Pro)

Gene: POLE (DNA polymerase epsilon, catalytic subunit; minus strand). Cytogenetic location: 12q24.33.
Variant type: single nucleotide variant.
Coding change: c.1055A>C on transcript NM_006231.4 (MANE Select); coding-DNA position 1055, A replaced by C.
Protein change: p.Gln352Pro; replaces glutamine 352 with proline.
Molecular consequence: missense variant.
Genome position (GRCh38, 1-based): chr12:132,675,786, T>G on the plus strand (A>C on the coding strand, the complement: POLE is on the minus strand). VCF-style: chr12-132675786-T-G. GRCh37 (hg19) VCF-style: chr12-133252372-T-G.
Other names: short protein forms Q352P.
Identifiers: ClinVar variation 372024 (VCV000372024.25), dbSNP rs766094330, ClinGen allele CA6894095.

ClinVar aggregate classification (germline): Uncertain significance. Review status: criteria provided, multiple submitters, no conflicts (2 of 4 stars). 10 submissions from 10 submitters: Uncertain significance (9). 1 of the submissions does not count toward it. Last evaluated 2026-02-01.

Conditions:
POLD1-related polyposis and colorectal cancer syndrome (CRCS10). Also called: Colorectal cancer, susceptibility to, 10; Colorectal cancer 10; COLORECTAL CANCER, SUSCEPTIBILITY TO, ON CHROMOSOME 19q. Identifiers: Orphanet 220460, MedGen C2675481, MONDO:0012953, OMIM 612591.
Hereditary cancer-predisposing syndrome. Also called: Neoplastic Syndromes, Hereditary; Hereditary neoplastic syndrome; Hereditary Cancer Syndrome; Tumor predisposition. Identifiers: Orphanet 140162, MedGen C0027672, MeSH D009386, MONDO:0015356.
Colorectal cancer, susceptibility to, 12 (CRCS12). Also called: COLORECTAL CANCER, SUSCEPTIBILITY TO, ON CHROMOSOME 12q24. Identifiers: Orphanet 220460, MedGen C3554460, MONDO:0014038, OMIM 615083.

Allele frequency attached by ClinVar (database versions not stated): gnomAD 0.00002; TOPMed 0.00003.
gnomAD v4.1: 48 of 1,614,118 alleles (0.003%); highest among the groups gnomAD compares: Non-Finnish European, 0.0038%; no homozygotes.

Submissions (10):

Labcorp Genetics (formerly Invitae), Labcorp
Classification: Uncertain significance. Last evaluated: 2026-02-01. Review status: criteria provided, single submitter. Criteria: Invitae Variant Classification Sherloc (09022015). Collection method: clinical testing. Allele origin: germline.
Comment: This sequence change replaces glutamine, which is neutral and polar, with proline, which is neutral and non-polar, at codon 352 of the POLE protein (p.Gln352Pro). This variant is present in population databases (rs766094330, gnomAD 0.004%). This missense change has been observed in individual(s) with colorectal cancer and malignant melanoma (PMID: 25559809, 26251183). ClinVar contains an entry for this variant (Variation ID: 372024). Invitae Evidence Modeling of protein sequence and biophysical properties (such as structural, functional, and spatial information, amino acid conservation, physicochemical variation, residue mobility, and thermodynamic stability) indicates that this missense variant is not expected to disrupt POLE protein function with a negative predictive value of 80%. In summary, the available evidence is currently insufficient to determine the role of this variant in disease. Therefore, it has been classified as a Variant of Uncertain Significance.

Center for Genomic Medicine, Rigshospitalet, Copenhagen University Hospital
Classification: Uncertain significance. Last evaluated: 2025-03-04. Review status: criteria provided, single submitter. Criteria: ACMG Guidelines, 2015. Collection method: clinical testing. Allele origin: germline.

Ambry Genetics
Classification: Uncertain significance for Hereditary cancer-predisposing syndrome. Last evaluated: 2024-09-28. Review status: criteria provided, single submitter. Criteria: Ambry Variant Classification Scheme 2023. Collection method: clinical testing. Allele origin: germline.
Comment: The p.Q352P variant (also known as c.1055A>C), located in coding exon 11 of the POLE gene, results from an A to C substitution at nucleotide position 1055. The glutamine at codon 352 is replaced by proline, an amino acid with similar properties. This variant has been reported in 1/1243 individuals with cutaneous melanoma who underwent targeted sequencing of the POLE gene (Aoude LG et al. Fam. Cancer. 2015 Dec;14:621-8). This alteration has also been identified in an individual with colorectal cancer (Chubb D et al. J. Clin. Oncol. 2015 Feb;33(5):426-32). This amino acid position is well conserved in available vertebrate species. In addition, the in silico prediction for this alteration is inconclusive. Since supporting evidence is limited at this time, the clinical significance of this alteration remains unclear.

Molecular Pathology, Peter Maccallum Cancer Centre
Classification: Uncertain significance for POLD1-related polyposis and colorectal cancer syndrome. Last evaluated: 2024-08-05. Review status: criteria provided, single submitter. Criteria: ACMG Guidelines, 2015. Collection method: clinical testing. Allele origin: germline. Inheritance: Autosomal dominant inheritance.

Quest Diagnostics Nichols Institute San Juan Capistrano
Classification: Uncertain significance. Last evaluated: 2023-07-28. Review status: criteria provided, single submitter. Criteria: Quest Diagnostics criteria. Collection method: clinical testing. Allele origin: unknown.
Comment: In the published literature, this variant has been reported in individuals with melanoma and colorectal cancer (PMIDs: 26251183 (2015) and 25559809 (2015)). The frequency of this variant in the general population, 0.000035 (4/113762 chromosomes (Genome Aggregation Database)), is uninformative in the assessment of its pathogenicity. Analysis of this variant using bioinformatics tools for the prediction of the effect of amino acid changes on protein structure and function yielded predictions that this variant is damaging. Based on the available information, we are unable to determine the clinical significance of this variant.

Baylor Genetics
Classification: Uncertain significance for Colorectal cancer, susceptibility to, 12. Last evaluated: 2023-06-29. Review status: criteria provided, single submitter. Criteria: ACMG Guidelines, 2015. Collection method: clinical testing. Allele origin: unknown.

Myriad Genetics, Inc.
Classification: Uncertain significance for Colorectal cancer, susceptibility to, 12. Last evaluated: 2023-04-19. Review status: criteria provided, single submitter. Criteria: Myriad Autosomal Dominant, Autosomal Recessive and X-Linked Classification Criteria (2023). Collection method: clinical testing. Allele origin: unknown.
Comment: This variant is classified as a variant of uncertain significance as there is insufficient evidence to determine its impact on protein function and/or cancer risk.

Clinical Genetics Laboratory, Skane University Hospital Lund
Classification: Uncertain significance. Last evaluated: 2022-05-27. Review status: criteria provided, single submitter. Criteria: ACMG Guidelines, 2015. Collection method: clinical testing. Allele origin: germline. Affected: yes.

GeneDx
Classification: Uncertain significance. Last evaluated: 2019-11-11. Review status: criteria provided, single submitter. Criteria: GeneDx Variant Classification Process June 2021. Collection method: clinical testing. Allele origin: germline. Affected: yes.
Comment: Not observed at a significant frequency in large population cohorts (Lek 2016); In silico analysis, which includes protein predictors and evolutionary conservation, supports that this variant does not alter protein structure/function; Observed in individuals with colorectal cancer or melanoma (Aoude 2015, Chubb 2015); This variant is associated with the following publications: (PMID: 31034466, 26251183, 25559809, 2559809)

Counsyl
Classification: Uncertain significance for Colorectal cancer, susceptibility to, 12. Last evaluated: 2016-10-18. Review status: no assertion criteria provided. Collection method: clinical testing. Allele origin: unknown. Not counted in ClinVar's aggregate classification.

Literature cited by the submitters: PubMed 25559809 (cited by 4 submitters); PubMed 26251183 (cited by 5 submitters); PubMed 29120461 (cited by Quest Diagnostics Nichols Institute San Juan Capistrano).